The following is an entry in ClinVar:

NM_014251.3(SLC25A13):c.15G>A (p.Lys5=)

Genes: SLC25A13 (solute carrier family 25 member 13; minus strand), LOC129998833 (ATAC-STARR-seq lymphoblastoid silent region 18384; plus strand). Cytogenetic location: 7q21.3.
Variant type: single nucleotide variant.
Coding change: c.15G>A on transcript NM_014251.3 (MANE Select); coding-DNA position 15, G replaced by A.
Protein change: p.Lys5=; no amino-acid change (lysine 5 retained).
Molecular consequence: synonymous variant. On other transcripts: non-coding transcript variant (1).
Genome position (GRCh38, 1-based): chr7:96,321,942, C>T on the plus strand (G>A on the coding strand, the complement: SLC25A13 is on the minus strand). VCF-style: chr7-96321942-C-T. GRCh37 (hg19) VCF-style: chr7-95951254-C-T.
Other names: c.15G>A, p.Lys5= (NM_001160210.2).
Identifiers: ClinVar variation 21510 (VCV000021510.12), dbSNP rs80338715, ClinGen allele CA342152.
Genomic context (GRCh38, chr7:96,321,942, plus strand): 5'-TCTCGCACCCCCAGGCTGATCCGGCAGGCGCGCTCCCCCCGGCCTCGGGCCCGCGGTTAC[C>T]TTGGCGGCCGCCATGATTCGCCCCGGTTGCGGGCGACTGCGGGACCCACTGACTGGCTGG-3'
Protein context (NP_055066.1, residues 1-15): MAAA[Lys5=]VALTKRADPA

ClinVar aggregate classification (germline): Pathogenic/Likely pathogenic. Review status: criteria provided, multiple submitters, no conflicts (2 of 4 stars). 3 submissions from 3 submitters: Pathogenic (1); Likely pathogenic (1). 1 of the submissions does not count toward it. Last evaluated 2023-04-12.

Conditions:
Citrullinemia, type II, adult-onset (CDAA). Also called: CITRIN DEFICIENCY, ADOLESCENT OR ADULT ONSET. Identifiers: Orphanet 247585, MedGen CN295299, MONDO:0011326, OMIM 603471.
Citrin deficiency. Identifiers: Orphanet 247582, MedGen C1997910, MONDO:0016602.
Neonatal intrahepatic cholestasis due to citrin deficiency (CDNI). Also called: Neonatal Intrahepatic Cholestasis Caused by Citrin Deficiency (NICCD); Neonatal-onset citrullinemia type II; Neonatal-onset citrullinemia type 2; CITRIN DEFICIENCY, NEONATAL OR INFANTILE ONSET. Identifiers: Orphanet 247598, MedGen C1853942, MONDO:0011601, OMIM 605814.

gnomAD v4.1: 10 of 1,539,012 alleles (0.00065%); highest among the groups gnomAD compares: East Asian, 0.023%; no homozygotes.

Submissions (3):

Baylor Genetics
Classification: Likely pathogenic for Citrullinemia, type II, adult-onset. Last evaluated: 2023-04-12. Review status: criteria provided, single submitter. Criteria: ACMG Guidelines, 2015. Collection method: clinical testing. Allele origin: unknown.

Labcorp Genetics (formerly Invitae), Labcorp
Classification: Pathogenic for Citrin deficiency. Last evaluated: 2021-08-19. Review status: criteria provided, single submitter. Criteria: Invitae Variant Classification Sherloc (09022015). Collection method: clinical testing. Allele origin: germline.
Comment: The frequency data for this variant in the population databases is considered unreliable, as metrics indicate insufficient coverage at this position in the ExAC database. This sequence change affects codon 5 of the SLC25A13 mRNA. It is a 'silent' change, meaning that it does not change the encoded amino acid sequence of the SLC25A13 protein. This variant also falls at the last nucleotide of exon 1, which is part of the consensus splice site for this exon. Nucleotide substitutions within the consensus splice site are a relatively common cause of aberrant splicing (PMID: 17576681, 9536098). Algorithms developed to predict the effect of sequence changes on RNA splicing suggest that this variant may disrupt the consensus splice site, but this prediction has not been confirmed by published transcriptional studies. For these reasons, this variant has been classified as Pathogenic. This variant has been observed in individual(s) with clinical features of SLC25A13-related conditions (PMID: 18392553, 26858187). In at least one individual the data is consistent with the variant being in trans (on the opposite chromosome) from a pathogenic variant. This variant is also known as Ex1-1G >A. ClinVar contains an entry for this variant (Variation ID: 21510).

GeneReviews
No classification provided. Condition: Neonatal intrahepatic cholestasis due to citrin deficiency. Review status: no classification provided. Collection method: literature only. Allele origin: unknown. Not counted in ClinVar's aggregate classification.

Literature cited by the submitters: PubMed 17576681 (cited by Labcorp Genetics (formerly Invitae), Labcorp); PubMed 9536098 (cited by Labcorp Genetics (formerly Invitae), Labcorp); PubMed 18392553 (cited by Labcorp Genetics (formerly Invitae), Labcorp and GeneReviews); PubMed 26858187 (cited by Labcorp Genetics (formerly Invitae), Labcorp); PubMed 20301360 (cited by GeneReviews); NCBI Bookshelf NBK1181 (cited by GeneReviews).